The following is an entry in ClinVar:

NM_172364.5(CACNA2D4):c.205C>T (p.Gln69Ter)

Gene: CACNA2D4 (calcium voltage-gated channel auxiliary subunit alpha2delta 4; minus strand). Cytogenetic location: 12p13.33.
Variant type: single nucleotide variant.
Coding change: c.205C>T on transcript NM_172364.5 (MANE Select); coding-DNA position 205, C replaced by T.
Protein change: p.Gln69Ter; replaces glutamine 69 with a stop codon.
Molecular consequence: nonsense.
Genome position (GRCh38, 1-based): chr12:1,918,269, G>A on the plus strand (C>T on the coding strand, the complement: CACNA2D4 is on the minus strand). VCF-style: chr12-1918269-G-A. GRCh37 (hg19) VCF-style: chr12-2027435-G-A.
Other names: short protein forms Q69*.
Identifiers: ClinVar variation 1376127 (VCV001376127.6), dbSNP rs1555188939, ClinGen allele CA383365887.

ClinVar aggregate classification (germline): Uncertain significance (1 of 4 stars; one submission).

Allele frequency attached by ClinVar (database versions not stated): gnomAD exomes below 0.00001.

Submission:

Labcorp Genetics (formerly Invitae), Labcorp
Classification: Uncertain significance. Last evaluated: 2022-10-24. Review status: criteria provided, single submitter. Criteria: Invitae Variant Classification Sherloc (09022015). Collection method: clinical testing. Allele origin: germline.
Comment: This sequence change creates a premature translational stop signal (p.Gln69*) in the CACNA2D4 gene. It is expected to result in an absent or disrupted protein product. However, the current clinical and genetic evidence is not sufficient to establish whether loss-of-function variants in CACNA2D4 cause disease. This variant is not present in population databases (gnomAD no frequency). This variant has not been reported in the literature in individuals affected with CACNA2D4-related conditions. ClinVar contains an entry for this variant (Variation ID: 1376127). In summary, the available evidence is currently insufficient to determine the role of this variant in disease. Therefore, it has been classified as a Variant of Uncertain Significance.